The following is an entry in ClinVar:

NM_002890.3(RASA1):c.1A>G (p.Met1Val)

Gene: RASA1 (RAS p21 protein activator 1; plus strand). Cytogenetic location: 5q14.3.
Variant type: single nucleotide variant.
Coding change: c.1A>G on transcript NM_002890.3 (MANE Select); coding-DNA position 1, A replaced by G.
Protein change: p.Met1Val; changes the start codon (methionine 1).
Molecular consequence: missense variant, initiator codon variant.
Genome position (GRCh38, 1-based): chr5:87,268,452, A>G. VCF-style: chr5-87268452-A-G. GRCh37 (hg19) VCF-style: chr5-86564269-A-G.
Other names: short protein forms M1V.
Identifiers: ClinVar variation 2802269 (VCV002802269.3), dbSNP rs2531001859, ClinGen allele CA360416577.

ClinVar aggregate classification (germline): Uncertain significance (1 of 4 stars; one submission).

Conditions:
Capillary malformation-arteriovenous malformation syndrome. Also called: Capillary malformation-arteriovenous malformation. Identifiers: Orphanet 137667, MedGen C1842180, MONDO:0012016.

Allele frequency attached by ClinVar (database versions not stated): gnomAD exomes below 0.00001.

Submission:

Labcorp Genetics (formerly Invitae), Labcorp
Classification: Uncertain significance for Capillary malformation-arteriovenous malformation syndrome. Last evaluated: 2023-05-01. Review status: criteria provided, single submitter. Criteria: Invitae Variant Classification Sherloc (09022015). Collection method: clinical testing. Allele origin: germline.
Comment: This sequence change affects the initiator methionine of the RASA1 mRNA. The next in-frame methionine is located at codon 2. In summary, the available evidence is currently insufficient to determine the role of this variant in disease. Therefore, it has been classified as a Variant of Uncertain Significance. Experimental studies and prediction algorithms are not available or were not evaluated, and the functional significance of this variant is currently unknown. This variant has not been reported in the literature in individuals affected with RASA1-related conditions. This variant is not present in population databases (gnomAD no frequency).